The following is an entry in ClinVar:

ClinVar aggregate classification (germline): Likely pathogenic (1 of 4 stars; one submission).

Conditions:
Intellectual developmental disorder with hypotonia and behavioral abnormalities. Identifiers: MedGen C5231489, MONDO:0032897, OMIM 618748.

Submission:

Variantyx, Inc.
Classification: Likely pathogenic for Intellectual developmental disorder with hypotonia and behavioral abnormalities. Last evaluated: 2025-10-16. Review status: criteria provided, single submitter. Criteria: Variantyx Assertion Criteria 2022. Collection method: clinical testing. Allele origin: de novo. Inheritance: Autosomal dominant inheritance. Affected: yes.
Comment: This is a nonsynonymous variant in the CDK8 gene (OMIM: 603184). Pathogenic variants in this gene have been associated with autosomal dominant intellectual developmental disorder with hypotonia and behavioral abnormalities. It lies within a known hotspot for pathogenic variants or a well-established critical functional domain of the CDK8 protein (PMID: 30905399) (PM1), and multiple computational algorithms predict a deleterious effect for this variant (REVEL score: 0.959) (PP3). This variant is absent from control populations (PM2). Based on the current evidence, this variant is classified as likely pathogenic for autosomal dominant intellectual developmental disorder with hypotonia and behavioral abnormalities.

Literature cited by the submitters: PubMed 30905399.

NM_001260.3(CDK8):c.517G>C (p.Asp173His)

Gene: CDK8 (cyclin dependent kinase 8; plus strand). Cytogenetic location: 13q12.13.
Variant type: single nucleotide variant.
Coding change: c.517G>C on transcript NM_001260.3 (MANE Select); coding-DNA position 517, G replaced by C.
Protein change: p.Asp173His; replaces aspartic acid 173 with histidine.
Molecular consequence: missense variant. On other transcripts: 5 prime UTR variant (1).
Genome position (GRCh38, 1-based): chr13:26,385,213, G>C. VCF-style: chr13-26385213-G-C. GRCh37 (hg19) VCF-style: chr13-26959350-G-C.
Other names: c.517G>C, p.Asp173His (NM_001318368.2); c.-3G>C (NM_001346501.2); short protein forms D173H.
Identifiers: ClinVar variation 4850012 (VCV004850012.1).
Genomic context (GRCh38, chr13:26,385,213, plus strand): 5'-TTGGTTAGATTTGTAAAAATCATTTACTTAGCATGATTTTTTTTTTATTATTTTACAGCT[G>C]ACATGGGCTTTGCCCGATTATTTAATTCACCTTTGAAGCCTTTAGCAGATTTGGATCCAG-3'
Protein context (NP_001251.1, residues 163-183): GPERGRVKIA[Asp173His]MGFARLFNSP